The following is an entry in ClinVar:

NM_000088.4(COL1A1):c.3566dup (p.Gly1190fs)

Gene: COL1A1 (collagen type I alpha 1 chain; minus strand). Cytogenetic location: 17q21.33.
Variant type: Duplication.
Coding change: c.3566dup on transcript NM_000088.4 (MANE Select); coding-DNA position 3566, one base duplicated (C; older notation c.3566dupC).
Protein change: p.Gly1190fs; shifts the reading frame from glycine 1190.
Molecular consequence: frameshift variant.
Genome position (GRCh38, 1-based): chr17:50,186,888, G duplicated on the plus strand (C on the coding strand, the reverse complement: COL1A1 is on the minus strand); the first of 5 consecutive G bases (chr17:50,186,888-50,186,892); duplicating any one gives the same sequence. VCF-style (leftmost placement, unchanged base first): chr17-50186887-A-AG. GRCh37 (hg19) VCF-style: chr17-48264248-A-AG.
Other names: c.3566dupC (NM_000088.3); short protein forms G1190fs.
Identifiers: ClinVar variation 580497 (VCV000580497.7), dbSNP rs1567753046, ClinGen allele CA891843988.

ClinVar aggregate classification (germline): Pathogenic (1 of 4 stars; one submission).

Conditions:
Osteogenesis imperfecta type I (OI1). Also called: Lobstein disease; Osteogenesis imperfecta type 1; OI, TYPE I; OSTEOGENESIS IMPERFECTA TARDA; OSTEOGENESIS IMPERFECTA WITH BLUE SCLERAE; Lobstein's Disease. Identifiers: Orphanet 216796, Orphanet 666, MedGen C0023931, MONDO:0008146, OMIM 166200. Disease mechanism: loss of function.

Submission:

Labcorp Genetics (formerly Invitae), Labcorp
Classification: Pathogenic for Osteogenesis imperfecta type I. Last evaluated: 2018-03-17. Review status: criteria provided, single submitter. Criteria: Invitae Variant Classification Sherloc (09022015). Collection method: clinical testing. Allele origin: germline.
Comment: For these reasons, this variant has been classified as Pathogenic. Loss-of-function variants in COL1A1 are known to be pathogenic (PMID: 7942841, 9295084, 9443882). This variant has not been reported in the literature in individuals with COL1A1-related disease. This variant is not present in population databases (ExAC no frequency). This sequence change creates a premature translational stop signal (p.Gly1190Trpfs*30) in the COL1A1 gene. It is expected to result in an absent or disrupted protein product.

Literature cited by the submitters: PubMed 7942841; PubMed 9295084; PubMed 9443882.